The following is an entry in ClinVar:

ClinVar aggregate classification (germline): Uncertain significance (1 of 4 stars; one submission).

Conditions:
Hereditary cancer-predisposing syndrome. Also called: Hereditary Cancer Syndrome; Tumor predisposition; Hereditary neoplastic syndrome; Neoplastic Syndromes, Hereditary. Identifiers: Orphanet 140162, MedGen C0027672, MeSH D009386, MONDO:0015356.
Cardiovascular phenotype. Identifiers: MedGen CN230736.

Submission:

Ambry Genetics
Classification: Uncertain significance for Cardiovascular phenotype; Hereditary cancer-predisposing syndrome. Last evaluated: 2024-11-24. Review status: criteria provided, single submitter. Criteria: Ambry Variant Classification Scheme 2023. Collection method: clinical testing. Allele origin: germline.
Comment: The p.S2680P variant (also known as c.8038T>C), located in coding exon 54 of the NF1 gene, results from a T to C substitution at nucleotide position 8038. The serine at codon 2680 is replaced by proline, an amino acid with similar properties. This amino acid position is conserved. In addition, this alteration is predicted to be tolerated by in silico analysis. Based on the available evidence, the clinical significance of this variant remains unclear.

NM_001042492.3(NF1):c.8101T>C (p.Ser2701Pro)

Gene: NF1 (neurofibromin 1; plus strand). Cytogenetic location: 17q11.2.
Variant type: single nucleotide variant.
Coding change: c.8101T>C on transcript NM_001042492.3 (MANE Select); coding-DNA position 8101, T replaced by C.
Protein change: p.Ser2701Pro; replaces serine 2701 with proline.
Molecular consequence: missense variant.
Genome position (GRCh38, 1-based): chr17:31,358,610, T>C. VCF-style: chr17-31358610-T-C. GRCh37 (hg19) VCF-style: chr17-29685628-T-C.
Other names: c.8038T>C, p.Ser2680Pro (NM_000267.4); short protein forms S2701P, S2680P.
Identifiers: ClinVar variation 3404936 (VCV003404936.1).